The following is an entry in ClinVar:

NM_001283009.2(RTEL1):c.2083A>T (p.Ile695Phe)

Genes: RTEL1 (regulator of telomere elongation helicase 1; plus strand), RTEL1-TNFRSF6B (RTEL1-TNFRSF6B readthrough (NMD candidate); plus strand). Cytogenetic location: 20q13.33.
Variant type: single nucleotide variant.
Coding change: c.2083A>T on transcript NM_001283009.2 (MANE Select); coding-DNA position 2083, A replaced by T.
Protein change: p.Ile695Phe; replaces isoleucine 695 with phenylalanine.
Molecular consequence: missense variant. On other transcripts: non-coding transcript variant (1).
Genome position (GRCh38, 1-based): chr20:63,689,807, A>T. VCF-style: chr20-63689807-A-T. GRCh37 (hg19) VCF-style: chr20-62321160-A-T.
Other names: c.1414A>T, p.Ile472Phe (NM_001283010.1); c.2083A>T, p.Ile695Phe (NM_016434.4); c.2155A>T, p.Ile719Phe (NM_032957.5); short protein forms I695F, I719F, I472F.
Identifiers: ClinVar variation 3948474 (VCV003948474.1).

ClinVar aggregate classification (germline): Uncertain significance (1 of 4 stars; one submission).

Conditions:
Inborn genetic diseases. Identifiers: MedGen C0950123, MeSH D030342.

Submission:

Ambry Genetics
Classification: Uncertain significance for Inborn genetic diseases. Last evaluated: 2025-06-08. Review status: criteria provided, single submitter. Criteria: Ambry Variant Classification Scheme 2023. Collection method: clinical testing. Allele origin: germline.
Comment: The p.I695F variant (also known as c.2083A>T), located in coding exon 23 of the RTEL1 gene, results from an A to T substitution at nucleotide position 2083. The isoleucine at codon 695 is replaced by phenylalanine, an amino acid with highly similar properties. This amino acid position is conserved. In addition, this alteration is predicted to be deleterious by in silico analysis. Based on the available evidence, the clinical significance of this variant remains unclear.